The following is an entry in ClinVar:

NM_001330311.2(DVL1):c.1694_1706del (p.Thr565fs)

Genes: DVL1 (dishevelled segment polarity protein 1; minus strand), LOC129929114 (ATAC-STARR-seq lymphoblastoid silent region 61; plus strand). Cytogenetic location: 1p36.33.
Variant type: Deletion.
Coding change: c.1694_1706del on transcript NM_001330311.2 (MANE Select); coding-DNA positions 1694 to 1706, 13 bases deleted (CCGGGAGTCAGCA).
Protein change: p.Thr565fs; shifts the reading frame from threonine 565.
Molecular consequence: frameshift variant.
Genome position (GRCh38, 1-based): chr1:1,337,985-1,337,997, TGCTGACTCCCGG deleted on the plus strand (CCGGGAGTCAGCA on the coding strand, the reverse complement: DVL1 is on the minus strand); deleting any 13 consecutive bases within chr1:1,337,985-1,338,002 gives the same sequence; the c. name uses the placement nearest the transcript's 3' end. VCF-style (leftmost placement, unchanged base first): chr1-1337984-CTGCTGACTCCCGG-C. GRCh37 (hg19) VCF-style: chr1-1273364-CTGCTGACTCCCGG-C.
Other names: c.1619_1631del, p.Thr540fs (NM_004421.3); short protein forms T565fs, T540fs.
Identifiers: ClinVar variation 524041 (VCV000524041.2), dbSNP rs1553173356, ClinGen allele CA658795357.
Genomic context (GRCh38, chr1:1,337,984, plus strand): 5'-GGGCGGAGCTGGGGGCGGAGCCGGGGAAGGGCAGGTAGGGGCGGCGTTCTCACCTTCACT[CTGCTGACTCCCGG>C]TGCTGCCGCTGCCATAGCTAAAGCCCGGGTCCTGGTAGGCAGGCGGGAAGCAGGGTGGGG-3'

ClinVar aggregate classification (germline): Likely pathogenic (1 of 4 stars; one submission).

Submission:

GeneDx
Classification: Likely pathogenic. Last evaluated: 2018-03-23. Review status: criteria provided, single submitter. Criteria: GeneDx Variant Classification (06012015). Collection method: clinical testing. Allele origin: germline. Affected: yes.
Comment: The c.1619_1631del13 variant in the DVL1 gene has not been reported previously as a pathogenic variant nor as a benign variant, to our knowledge. The c.1619_1631del13 variant causes a frameshift starting with codon Threonine 540, changes this amino acid to an Arginine residue, and creates a premature Stop codon at position 105 of the new reading frame, denoted p.Thr540ArgfsX105. This variant is predicted to cause loss of normal protein function through protein truncation. The c.1619_1631del13 variant is not observed in large population cohorts (Lek et al., 2016). We interpret c.1619_1631del13 as a likely pathogenic variant.